The following is an entry in ClinVar:

NM_000026.4(ADSL):c.1191+5G>C

Gene: ADSL (adenylosuccinate lyase; plus strand). Cytogenetic location: 22q13.1.
Variant type: single nucleotide variant.
Coding change: c.1191+5G>C on transcript NM_000026.4 (MANE Select); 5 bases into the intron after coding-DNA position 1191, G replaced by C.
Molecular consequence: intron variant.
Genome position (GRCh38, 1-based): chr22:40,364,370, G>C. VCF-style: chr22-40364370-G-C. GRCh37 (hg19) VCF-style: chr22-40760374-G-C.
Other names: c.1191+5G>C (NM_001363840.3, NM_001123378.3); c.999+5G>C (NM_001317923.2).
Identifiers: ClinVar variation 1691571 (VCV001691571.21), dbSNP rs773404017, ClinGen allele CA10247940.

ClinVar aggregate classification (germline): Pathogenic/Likely pathogenic. Review status: criteria provided, multiple submitters, no conflicts (2 of 4 stars). 5 submissions from 5 submitters: Pathogenic (2); Likely pathogenic (3). Last evaluated 2025-10-01.

Conditions:
ADSL-related disorder. Also called: ADSL-related condition.
Adenylosuccinate lyase deficiency (ADSLD). Also called: ADSL DEFICIENCY. Identifiers: Orphanet 46, MedGen C0268126, MONDO:0007068, OMIM 103050.

Allele frequency attached by ClinVar (database versions not stated): TOPMed 0.00002; gnomAD 0.00019.

Submissions (5):

Labcorp Genetics (formerly Invitae), Labcorp
Classification: Pathogenic for Adenylosuccinate lyase deficiency. Last evaluated: 2025-10-01. Review status: criteria provided, single submitter. Criteria: Invitae Variant Classification Sherloc (09022015). Collection method: clinical testing. Allele origin: germline.
Comment: This sequence change falls in intron 11 of the ADSL gene. It does not directly change the encoded amino acid sequence of the ADSL protein. It affects a nucleotide within the consensus splice site. This variant is present in population databases (rs773404017, gnomAD 0.1%). This variant has been observed in individual(s) with adenylosuccinate lyase deficiency (PMID: 24781210, 28768552). ClinVar contains an entry for this variant (Variation ID: 1691571). Variants that disrupt the consensus splice site are a relatively common cause of aberrant splicing (PMID: 17576681, 9536098). Studies have shown that this variant is associated with altered splicing resulting in unknown protein product impact (PMID: 28768552). For these reasons, this variant has been classified as Pathogenic.

Laboratory of Genetics, Children's Clinical University Hospital Latvia
Classification: Likely pathogenic. Last evaluated: 2025-02-16. Review status: criteria provided, single submitter. Criteria: ACMG Guidelines, 2015. Collection method: clinical testing. Allele origin: germline. Affected: yes.

CeGaT Center for Human Genetics Tuebingen
Classification: Likely pathogenic. Last evaluated: 2025-01-01. Review status: criteria provided, single submitter. Criteria: CeGaT Center For Human Genetics Tuebingen Variant Classification Criteria Version 2. Collection method: clinical testing. Allele origin: germline. Affected: yes. Observed: 1 variant allele.
Comment: ADSL: PM2, PM3, PP3, PS3:Supporting

Blueprint Genetics
Classification: Likely pathogenic for ADSL-related disorders. Last evaluated: 2024-10-16. Review status: criteria provided, single submitter. Criteria: ACMG Guidelines, 2015. Collection method: clinical testing. Allele origin: germline. Affected: yes. Observed: 5 variant alleles.

GeneDx
Classification: Pathogenic. Last evaluated: 2022-06-09. Review status: criteria provided, single submitter. Criteria: GeneDx Variant Classification Process June 2021. Collection method: clinical testing. Allele origin: germline. Affected: yes.
Comment: Intronic +5 splice site variant in a gene for which loss-of-function is a known mechanism of disease and RNA sequencing confirmed that this variant causes aberrant processing of the ADSL transcript (Macchiaiolo et al., 2017); This variant is associated with the following publications: (PMID: 28768552, 24781210, 33648541)

Literature cited by the submitters: PubMed 24781210 (cited by Labcorp Genetics (formerly Invitae), Labcorp); PubMed 28768552 (cited by Labcorp Genetics (formerly Invitae), Labcorp); PubMed 17576681 (cited by Labcorp Genetics (formerly Invitae), Labcorp); PubMed 9536098 (cited by Labcorp Genetics (formerly Invitae), Labcorp).